The following is an entry in ClinVar:

NM_000875.5(IGF1R):c.3786C>G (p.Ile1262Met)

Gene: IGF1R (insulin like growth factor 1 receptor; plus strand). Cytogenetic location: 15q26.3.
Variant type: single nucleotide variant.
Coding change: c.3786C>G on transcript NM_000875.5 (MANE Select); coding-DNA position 3786, C replaced by G.
Protein change: p.Ile1262Met; replaces isoleucine 1262 with methionine.
Molecular consequence: missense variant.
Genome position (GRCh38, 1-based): chr15:98,957,124, C>G. VCF-style: chr15-98957124-C-G. GRCh37 (hg19) VCF-style: chr15-99500353-C-G.
Other names: c.3783C>G, p.Ile1261Met (NM_001291858.2); short protein forms I1261M, I1262M.
Identifiers: ClinVar variation 2789633 (VCV002789633.3), dbSNP rs1596493371, ClinGen allele CA393668115.

ClinVar aggregate classification (germline): Uncertain significance (1 of 4 stars; one submission).

Submission:

Labcorp Genetics (formerly Invitae), Labcorp
Classification: Uncertain significance. Last evaluated: 2023-02-16. Review status: criteria provided, single submitter. Criteria: Invitae Variant Classification Sherloc (09022015). Collection method: clinical testing. Allele origin: germline.
Comment: In summary, the available evidence is currently insufficient to determine the role of this variant in disease. Therefore, it has been classified as a Variant of Uncertain Significance. Advanced modeling of protein sequence and biophysical properties (such as structural, functional, and spatial information, amino acid conservation, physicochemical variation, residue mobility, and thermodynamic stability) has been performed at Invitae for this missense variant, however the output from this modeling did not meet the statistical confidence thresholds required to predict the impact of this variant on IGF1R protein function. This variant has not been reported in the literature in individuals affected with IGF1R-related conditions. This variant is not present in population databases (gnomAD no frequency). This sequence change replaces isoleucine, which is neutral and non-polar, with methionine, which is neutral and non-polar, at codon 1262 of the IGF1R protein (p.Ile1262Met).